The following is an entry in ClinVar:

ClinVar aggregate classification (germline): Uncertain significance (1 of 4 stars; one submission).

Allele frequency attached by ClinVar (database versions not stated): gnomAD exomes below 0.00001.
gnomAD v4.1: 2 of 1,612,026 alleles (0.00012%); highest among the groups gnomAD compares: South Asian, 0.0022%; no homozygotes.

Submission:

Ambry Genetics
Classification: Uncertain significance. Last evaluated: 2022-11-16. Review status: criteria provided, single submitter. Criteria: Ambry Variant Classification Scheme 2023. Collection method: clinical testing. Allele origin: germline.
Comment: The p.A196V variant (also known as c.587C>T), located in coding exon 4 of the MNDA gene, results from a C to T substitution at nucleotide position 587. The alanine at codon 196 is replaced by valine, an amino acid with similar properties. This amino acid position is conserved. In addition, this alteration is predicted to be tolerated by in silico analysis. Since supporting evidence is limited at this time, the clinical significance of this alteration remains unclear.

NM_002432.3(MNDA):c.587C>T (p.Ala196Val)

Gene: MNDA (myeloid cell nuclear differentiation antigen; plus strand). Cytogenetic location: 1q23.1.
Variant type: single nucleotide variant.
Coding change: c.587C>T on transcript NM_002432.3 (MANE Select); coding-DNA position 587, C replaced by T.
Protein change: p.Ala196Val; replaces alanine 196 with valine.
Molecular consequence: missense variant.
Genome position (GRCh38, 1-based): chr1:158,845,603, C>T. VCF-style: chr1-158845603-C-T. GRCh37 (hg19) VCF-style: chr1-158815393-C-T.
Other names: short protein forms A196V.
Identifiers: ClinVar variation 2496961 (VCV002496961.2), dbSNP rs2102051708, ClinGen allele CA343040677.